The following is an entry in ClinVar:

ClinVar aggregate classification (germline): Uncertain significance (1 of 4 stars; one submission).

Conditions:
Juvenile polyposis syndrome (JPS). Identifiers: Orphanet 2929, MedGen C0345893, MONDO:0017380, OMIM 174900.

Submission:

Labcorp Genetics (formerly Invitae), Labcorp
Classification: Uncertain significance for Juvenile polyposis syndrome. Last evaluated: 2022-03-27. Review status: criteria provided, single submitter. Criteria: Invitae Variant Classification Sherloc (09022015). Collection method: clinical testing. Allele origin: germline.
Comment: This sequence change falls in intron 7 of the BMPR1A gene. It does not directly change the encoded amino acid sequence of the BMPR1A protein. This variant is not present in population databases (gnomAD no frequency). This variant has not been reported in the literature in individuals affected with BMPR1A-related conditions. Algorithms developed to predict the effect of sequence changes on RNA splicing suggest that this variant may create or strengthen a splice site. In summary, the available evidence is currently insufficient to determine the role of this variant in disease. Therefore, it has been classified as a Variant of Uncertain Significance.

NM_004329.3(BMPR1A):c.530+9A>G

Gene: BMPR1A (bone morphogenetic protein receptor type 1A; plus strand). Cytogenetic location: 10q23.2.
Variant type: single nucleotide variant.
Coding change: c.530+9A>G on transcript NM_004329.3 (MANE Select); 9 bases into the intron after coding-DNA position 530, A replaced by G.
Molecular consequence: intron variant.
Genome position (GRCh38, 1-based): chr10:86,900,135, A>G. VCF-style: chr10-86900135-A-G. GRCh37 (hg19) VCF-style: chr10-88659892-A-G.
Identifiers: ClinVar variation 2118287 (VCV002118287.1), dbSNP rs1843289041, ClinGen allele CA2580082377.